The following is an entry in ClinVar:

NM_130384.3(ATRIP):c.1915A>G (p.Ile639Val)

Genes: ATRIP (ATR interacting protein; plus strand), ATRIP-TREX1 (ATRIP-TREX1 readthrough; plus strand). Cytogenetic location: 3p21.31.
Variant type: single nucleotide variant.
Coding change: c.1915A>G on transcript NM_130384.3 (MANE Select); coding-DNA position 1915, A replaced by G.
Protein change: p.Ile639Val; replaces isoleucine 639 with valine.
Molecular consequence: missense variant. On other transcripts: non-coding transcript variant (1).
Genome position (GRCh38, 1-based): chr3:48,464,073, A>G. VCF-style: chr3-48464073-A-G. GRCh37 (hg19) VCF-style: chr3-48505472-A-G.
Other names: c.1534A>G, p.Ile512Val (NM_001271022.2); c.1636A>G, p.Ile546Val (NM_001271023.2); c.1915A>G, p.Ile639Val (NM_032166.4); short protein forms I512V, I546V, I639V.
Identifiers: ClinVar variation 4844945 (VCV004844945.1).

ClinVar aggregate classification (germline): Uncertain significance (1 of 4 stars; one submission).

gnomAD v4.1: 1 of 1,613,892 alleles (0.000062%); highest among the groups gnomAD compares: East Asian, 0.0022%; no homozygotes.

Submission:

Ambry Genetics
Classification: Uncertain significance. Last evaluated: 2026-02-15. Review status: criteria provided, single submitter. Criteria: Ambry Variant Classification Scheme 2023. Collection method: clinical testing. Allele origin: germline.
Comment: The p.I639V variant (also known as c.1915A>G), located in coding exon 10 of the ATRIP gene, results from an A to G substitution at nucleotide position 1915. The isoleucine at codon 639 is replaced by valine, an amino acid with highly similar properties. This amino acid position is conserved. In addition, this alteration is predicted to be tolerated by in silico analysis. Based on the available evidence, the clinical significance of this variant remains unclear.